The following is an entry in ClinVar:

ClinVar aggregate classification (germline): Uncertain significance. Review status: criteria provided, multiple submitters, no conflicts (2 of 4 stars). 2 submissions from 2 submitters: Uncertain significance (2). Last evaluated 2022-09-13.

Allele frequency attached by ClinVar (database versions not stated): gnomAD exomes below 0.00001 and 0.00001; TOPMed below 0.00001; gnomAD 0.00001; ExAC 0.00006.
gnomAD v4.1: 3 of 1,556,510 alleles (0.00019%); highest among the groups gnomAD compares: African/African-American, 0.0027%; no homozygotes.

Submissions (2):

Labcorp Genetics (formerly Invitae), Labcorp
Classification: Uncertain significance. Last evaluated: 2022-09-13. Review status: criteria provided, single submitter. Criteria: Invitae Variant Classification Sherloc (09022015). Collection method: clinical testing. Allele origin: germline.
Comment: In summary, the available evidence is currently insufficient to determine the role of this variant in disease. Therefore, it has been classified as a Variant of Uncertain Significance. Algorithms developed to predict the effect of missense changes on protein structure and function are either unavailable or do not agree on the potential impact of this missense change (SIFT: "Not Available"; PolyPhen-2: "Benign"; Align-GVGD: "Not Available"). ClinVar contains an entry for this variant (Variation ID: 1469023). This variant has not been reported in the literature in individuals affected with CEP250-related conditions. The frequency data for this variant in the population databases is considered unreliable, as metrics indicate poor data quality at this position in the gnomAD database. This sequence change replaces lysine with glutamic acid at codon 1111 of the CEP250 protein (p.Lys1111Glu). The lysine residue is moderately conserved and there is a small physicochemical difference between lysine and glutamic acid.

Blueprint Genetics
Classification: Uncertain significance. Last evaluated: 2022-05-19. Review status: criteria provided, single submitter. Criteria: ACMG Guidelines, 2015. Collection method: clinical testing. Allele origin: germline.

NM_007186.6(CEP250):c.3331A>G (p.Lys1111Glu)

Gene: CEP250 (centrosomal protein 250; plus strand). Cytogenetic location: 20q11.22.
Variant type: single nucleotide variant.
Coding change: c.3331A>G on transcript NM_007186.6 (MANE Select); coding-DNA position 3331, A replaced by G.
Protein change: p.Lys1111Glu; replaces lysine 1111 with glutamic acid.
Molecular consequence: missense variant.
Genome position (GRCh38, 1-based): chr20:35,497,743, A>G. VCF-style: chr20-35497743-A-G. GRCh37 (hg19) VCF-style: chr20-34085572-A-G.
Other names: c.1435A>G, p.Lys479Glu (NM_001318219.1); short protein forms K1111E, K479E.
Identifiers: ClinVar variation 1469023 (VCV001469023.7), dbSNP rs774295146, ClinGen allele CA9833455.
Genomic context (GRCh38, chr20:35,497,743, plus strand): 5'-TTCCTGCTTATATTATGTAAAATTCTTCCTTGACAGATGGAATTACTAAGGCAAGAGGTG[A>G]AGGAAAAGGAGGCTGACTTTCTGGCCCAGGAAGCACAGCTGCTGGAGGAGCTGGAGGCGT-3'
Protein context (NP_009117.2, residues 1101-1121): AQMELLRQEV[Lys1111Glu]EKEADFLAQE